The following is an entry in ClinVar:

NM_001844.5(COL2A1):c.7C>A (p.Arg3Ser)

Gene: COL2A1 (collagen type II alpha 1 chain; minus strand). Cytogenetic location: 12q13.11.
Variant type: single nucleotide variant.
Coding change: c.7C>A on transcript NM_001844.5 (MANE Select); coding-DNA position 7, C replaced by A.
Protein change: p.Arg3Ser; replaces arginine 3 with serine.
Molecular consequence: missense variant.
Genome position (GRCh38, 1-based): chr12:48,004,315, G>T on the plus strand (C>A on the coding strand, the complement: COL2A1 is on the minus strand). VCF-style: chr12-48004315-G-T. GRCh37 (hg19) VCF-style: chr12-48398098-G-T.
Other names: c.7C>A, p.Arg3Ser (NM_033150.3); short protein forms R3S.
Identifiers: ClinVar variation 2777254 (VCV002777254.3), dbSNP rs898585011, ClinGen allele CA236497909.

ClinVar aggregate classification (germline): Uncertain significance (1 of 4 stars; one submission).

gnomAD v4.1: 5 of 1,546,350 alleles (0.00032%); highest among the groups gnomAD compares: African/African-American, 0.0069%; no homozygotes.

Submission:

Labcorp Genetics (formerly Invitae), Labcorp
Classification: Uncertain significance. Last evaluated: 2023-05-09. Review status: criteria provided, single submitter. Criteria: Invitae Variant Classification Sherloc (09022015). Collection method: clinical testing. Allele origin: germline.
Comment: In summary, the available evidence is currently insufficient to determine the role of this variant in disease. Therefore, it has been classified as a Variant of Uncertain Significance. Advanced modeling of protein sequence and biophysical properties (such as structural, functional, and spatial information, amino acid conservation, physicochemical variation, residue mobility, and thermodynamic stability) has been performed at Invitae for this missense variant, however the output from this modeling did not meet the statistical confidence thresholds required to predict the impact of this variant on COL2A1 protein function. This variant has not been reported in the literature in individuals affected with COL2A1-related conditions. This variant is not present in population databases (gnomAD no frequency). This sequence change replaces arginine, which is basic and polar, with serine, which is neutral and polar, at codon 3 of the COL2A1 protein (p.Arg3Ser).